The following is an entry in ClinVar:

ClinVar aggregate classification (germline): Uncertain significance (1 of 4 stars; one submission).

Conditions:
Primary dilated cardiomyopathy (DCM). Also called: Dilated Cardiomyopathy. Identifiers: Orphanet 217604, MedGen C0007193, MeSH D002311, MONDO:0005021, HP:0001644. Inheritance: Various modes of inheritance.

Allele frequency attached by ClinVar (database versions not stated): ExAC 0.00001; gnomAD exomes 0.00001 and 0.00003; TOPMed 0.00002.
gnomAD v4.1: 8 of 1,613,838 alleles (0.0005%); highest among the groups gnomAD compares: Admixed American, 0.013%; no homozygotes.

Submission:

Labcorp Genetics (formerly Invitae), Labcorp
Classification: Uncertain significance for Primary dilated cardiomyopathy. Last evaluated: 2024-08-22. Review status: criteria provided, single submitter. Criteria: Invitae Variant Classification Sherloc (09022015). Collection method: clinical testing. Allele origin: germline.
Comment: This sequence change falls in intron 24 of the NEBL gene. It does not directly change the encoded amino acid sequence of the NEBL protein. It affects a nucleotide within the consensus splice site. This variant is present in population databases (rs771316603, gnomAD 0.02%). This variant has not been reported in the literature in individuals affected with NEBL-related conditions. ClinVar contains an entry for this variant (Variation ID: 1004283). Variants that disrupt the consensus splice site are a relatively common cause of aberrant splicing (PMID: 17576681, 9536098). Algorithms developed to predict the effect of sequence changes on RNA splicing suggest that this variant is not likely to affect RNA splicing. In summary, the available evidence is currently insufficient to determine the role of this variant in disease. Therefore, it has been classified as a Variant of Uncertain Significance.

Literature cited by the submitters: PubMed 17576681; PubMed 9536098.

NM_006393.3(NEBL):c.2518+6C>G

Gene: NEBL (nebulette; minus strand). Cytogenetic location: 10p12.31.
Variant type: single nucleotide variant.
Coding change: c.2518+6C>G on transcript NM_006393.3 (MANE Select); 6 bases into the intron after coding-DNA position 2518, C replaced by G.
Molecular consequence: intron variant.
Genome position (GRCh38, 1-based): chr10:20,812,763, G>C on the plus strand (C>G on the coding strand, the complement: NEBL is on the minus strand). VCF-style: chr10-20812763-G-C. GRCh37 (hg19) VCF-style: chr10-21101692-G-C.
Other names: c.421+6C>G (NM_001377326.1, NM_001377327.1, NM_001377328.1); c.529+6C>G (NM_213569.2, NM_001173484.2, NM_001377322.1); c.472+6C>G (NM_001377324.1); c.463+6C>G (NM_001377325.1); c.481+6C>G (NM_001377323.1).
Identifiers: ClinVar variation 1004283 (VCV001004283.7), dbSNP rs771316603, ClinGen allele CA5432466.